The following is an entry in ClinVar:

NM_032119.4(ADGRV1):c.9623+1G>T

Gene: ADGRV1 (adhesion G protein-coupled receptor V1; plus strand). Cytogenetic location: 5q14.3.
Variant type: single nucleotide variant.
Coding change: c.9623+1G>T on transcript NM_032119.4 (MANE Select); the canonical splice donor site of the intron after coding-DNA position 9623, G replaced by T.
Molecular consequence: splice donor variant.
Genome position (GRCh38, 1-based): chr5:90,720,224, G>T. VCF-style: chr5-90720224-G-T. GRCh37 (hg19) VCF-style: chr5-90016041-G-T.
Identifiers: ClinVar variation 4731700 (VCV004731700.1).

ClinVar aggregate classification (germline): Likely pathogenic (1 of 4 stars; one submission).

Submission:

Labcorp Genetics (formerly Invitae), Labcorp
Classification: Likely pathogenic. Last evaluated: 2025-11-22. Review status: criteria provided, single submitter. Criteria: Invitae Variant Classification Sherloc (09022015). Collection method: clinical testing. Allele origin: germline.
Comment: This sequence change affects a donor splice site in intron 44 of the ADGRV1 gene. It is expected to disrupt RNA splicing. Variants that disrupt the donor or acceptor splice site typically lead to a loss of protein function (PMID: 16199547), and loss-of-function variants in ADGRV1 are known to be pathogenic (PMID: 19357117, 22135276, 22147658, 26226137, 30718709, 31047384, 32467589). This variant is not present in population databases (gnomAD no frequency). Disruption of this splice site has been observed in individual(s) with ADGRV1-related conditions (PMID: 22135276). Algorithms developed to predict the effect of sequence changes on RNA splicing suggest that this variant may disrupt the consensus splice site. In summary, the currently available evidence indicates that the variant is pathogenic, but additional data are needed to prove that conclusively. Therefore, this variant has been classified as Likely Pathogenic.

Literature cited by the submitters: PubMed 16199547; PubMed 19357117; PubMed 22135276; PubMed 22147658; PubMed 26226137; PubMed 30718709; PubMed 31047384; PubMed 32467589.